The following is an entry in ClinVar:

ClinVar aggregate classification (germline): Pathogenic (1 of 4 stars; one submission).

Conditions:
Atypical hemolytic-uremic syndrome. Identifiers: Orphanet 2134, MedGen C2931788, MONDO:0016244.

Submission:

Genomenon, Inc
Classification: Pathogenic for Atypical hemolytic-uremic syndrome. Last evaluated: 2025-09-26. Review status: criteria provided, single submitter. Criteria: Genomenon Sequence Variant Interpretation Standards - Updated. Collection method: curation. Allele origin: germline. Affected: yes.
Comment: CFB p.Ser367Arg (c.1101C>A) is a missense variant that changes the amino acid at residue 367 from Serine to Arginine. This variant has been observed in at least one proband affected with atypical hemolytic-uremic syndrome (PMID:32540405). The variant was found to segregate with disease in at least one affected family (PMID:32540405). At least one functional study has demonstrated a substantial alteration in protein function relative to the wild-type (PMID:32540405). It is absent or not present at a significant frequency in gnomAD. In silico models agree that this variant is possibly or probably damaging. In conclusion, we classify CFB p.Ser367Arg (c.1101C>A) as a pathogenic variant.

Literature cited by the submitters: PubMed 32540405.

NM_001710.6(CFB):c.1101C>A (p.Ser367Arg)

Gene: CFB (complement factor B; plus strand). Cytogenetic location: 6p21.33.
Variant type: single nucleotide variant.
Coding change: c.1101C>A on transcript NM_001710.6 (MANE Select); coding-DNA position 1101, C replaced by A.
Protein change: p.Ser367Arg; replaces serine 367 with arginine.
Molecular consequence: missense variant.
Genome position (GRCh38, 1-based): chr6:31,948,894, C>A. VCF-style: chr6-31948894-C-A. GRCh37 (hg19) VCF-style: chr6-31916671-C-A.
Other names: short protein forms S367R.
Identifiers: ClinVar variation 4280407 (VCV004280407.1).
Genomic context (GRCh38, chr6:31,948,894, plus strand): 5'-CAAGTTGAAGTCAGGGACTAACACCAAGAAGGCCCTCCAGGCAGTGTACAGCATGATGAG[C>A]TGGCCAGATGACGTCCCTCCTGAAGGCTGGAACCGCACCCGCCATGTCATCATCCTCATG-3'
Protein context (NP_001701.2, residues 357-377): KALQAVYSMM[Ser367Arg]WPDDVPPEGW